The following is an entry in ClinVar:

ClinVar aggregate classification (germline): Uncertain significance. Review status: criteria provided, multiple submitters, no conflicts (2 of 4 stars). 3 submissions from 3 submitters: Uncertain significance (2). 1 of the submissions does not count toward it. Last evaluated 2025-08-07.

Conditions:
Inborn genetic diseases. Identifiers: MedGen C0950123, MeSH D030342.
Methylmalonic acidemia (MMA). Also called: Isolated Methylmalonic Acidemia. Identifiers: MedGen C0268583, MeSH C537358, MONDO:0002012, HP:0002912.
Combined malonic and methylmalonic acidemia. Identifiers: Orphanet 289504, MedGen C3280314, MONDO:0013661, OMIM 614265.

Allele frequency attached by ClinVar (database versions not stated): gnomAD below 0.00001 and 0.00002; TOPMed 0.00002; gnomAD exomes 0.00005 and 0.00006; ExAC 0.00006; 1000 Genomes Project 30x 0.00031; 1000 Genomes Project 0.00040.
gnomAD v4.1: 70 of 1,613,594 alleles (0.0043%); highest among the groups gnomAD compares: South Asian, 0.023%; no homozygotes.

Submissions (3):

Ambry Genetics
Classification: Uncertain significance for Inborn genetic diseases. Last evaluated: 2025-08-07. Review status: criteria provided, single submitter. Criteria: Ambry Variant Classification Scheme 2023. Collection method: clinical testing. Allele origin: germline.

Labcorp Genetics (formerly Invitae), Labcorp
Classification: Uncertain significance for Combined malonic and methylmalonic acidemia. Last evaluated: 2022-08-16. Review status: criteria provided, single submitter. Criteria: Invitae Variant Classification Sherloc (09022015). Collection method: clinical testing. Allele origin: germline.
Comment: This sequence change replaces arginine, which is basic and polar, with tryptophan, which is neutral and slightly polar, at codon 94 of the ACSF3 protein (p.Arg94Trp). This variant is present in population databases (rs530503915, gnomAD 0.03%). This variant has not been reported in the literature in individuals affected with ACSF3-related conditions. ClinVar contains an entry for this variant (Variation ID: 990424). Algorithms developed to predict the effect of missense changes on protein structure and function are either unavailable or do not agree on the potential impact of this missense change (SIFT: "Deleterious"; PolyPhen-2: "Possibly Damaging"; Align-GVGD: "Class C0"). In summary, the available evidence is currently insufficient to determine the role of this variant in disease. Therefore, it has been classified as a Variant of Uncertain Significance.

Natera, Inc.
Classification: Uncertain significance for Methylmalonic acidemia. Last evaluated: 2020-10-05. Review status: no assertion criteria provided. Collection method: clinical testing. Allele origin: germline. Not counted in ClinVar's aggregate classification.

NM_001243279.3(ACSF3):c.280C>T (p.Arg94Trp)

Gene: ACSF3 (acyl-CoA synthetase family member 3; plus strand). Cytogenetic location: 16q24.3.
Variant type: single nucleotide variant.
Coding change: c.280C>T on transcript NM_001243279.3 (MANE Select); coding-DNA position 280, C replaced by T.
Protein change: p.Arg94Trp; replaces arginine 94 with tryptophan.
Molecular consequence: missense variant. On other transcripts: non-coding transcript variant (3), intron variant (1).
Genome position (GRCh38, 1-based): chr16:89,100,961, C>T. VCF-style: chr16-89100961-C-T. GRCh37 (hg19) VCF-style: chr16-89167369-C-T.
Other names: c.280C>T (NM_174917.3); c.280C>T, p.Arg94Trp (NM_001127214.4, NM_174917.5); c.-129-1643C>T (NM_001284316.2); short protein forms R94W.
Identifiers: ClinVar variation 990424 (VCV000990424.5), dbSNP rs530503915, ClinGen allele CA8237599.